The following is an entry in ClinVar:

NM_015915.5(ATL1):c.1225G>T (p.Gly409Cys)

Gene: ATL1 (atlastin GTPase 1; plus strand). Cytogenetic location: 14q22.1.
Variant type: single nucleotide variant.
Coding change: c.1225G>T on transcript NM_015915.5 (MANE Select); coding-DNA position 1225, G replaced by T.
Protein change: p.Gly409Cys; replaces glycine 409 with cysteine.
Molecular consequence: missense variant.
Genome position (GRCh38, 1-based): chr14:50,628,136, G>T. VCF-style: chr14-50628136-G-T. GRCh37 (hg19) VCF-style: chr14-51094854-G-T.
Other names: c.1225G>T, p.Gly409Cys (NM_001127713.1, NM_181598.4); short protein forms G409C.
Identifiers: ClinVar variation 421566 (VCV000421566.6), dbSNP rs1064795212, ClinGen allele CA16619870.

ClinVar aggregate classification (germline): Pathogenic/Likely pathogenic. Review status: criteria provided, multiple submitters, no conflicts (2 of 4 stars). 2 submissions from 2 submitters: Pathogenic (1); Likely pathogenic (1). Last evaluated 2022-10-01.

Conditions:
Hereditary spastic paraplegia 3A (SPG3A). Also called: Spastic Paraplegia 3A; Spastic paraplegia 3A, autosomal dominant; SPASTIC PARAPLEGIA 3, AUTOSOMAL DOMINANT; FAMILIAL SPASTIC PARAPLEGIA, AUTOSOMAL DOMINANT, 1; SPG3; STRUMPELL DISEASE. Identifiers: Orphanet 100984, MedGen C2931355, MONDO:0008437, OMIM 182600.

Submissions (2):

Labcorp Genetics (formerly Invitae), Labcorp
Classification: Pathogenic for Hereditary spastic paraplegia 3A. Last evaluated: 2022-10-01. Review status: criteria provided, single submitter. Criteria: Invitae Variant Classification Sherloc (09022015). Collection method: clinical testing. Allele origin: germline.
Comment: ClinVar contains an entry for this variant (Variation ID: 421566). This missense change has been observed in individual(s) with hereditary spastic paraplegia (Invitae). In at least one individual the variant was observed to be de novo. This variant is not present in population databases (gnomAD no frequency). This sequence change replaces glycine, which is neutral and non-polar, with cysteine, which is neutral and slightly polar, at codon 409 of the ATL1 protein (p.Gly409Cys). Advanced modeling of protein sequence and biophysical properties (such as structural, functional, and spatial information, amino acid conservation, physicochemical variation, residue mobility, and thermodynamic stability) performed at Invitae indicates that this missense variant is expected to disrupt ATL1 protein function. For these reasons, this variant has been classified as Pathogenic. This variant disrupts the p.Gly409 amino acid residue in ATL1. Other variant(s) that disrupt this residue have been observed in individuals with ATL1-related conditions (PMID: 25193411; Invitae), which suggests that this may be a clinically significant amino acid residue.

GeneDx
Classification: Likely pathogenic. Last evaluated: 2016-07-21. Review status: criteria provided, single submitter. Criteria: GeneDx Variant Classification (06012015). Collection method: clinical testing. Allele origin: germline. Affected: yes.
Comment: The G409C variant has notbeen published as a pathogenic variant, nor has it been reported as a benign variant to our knowledge.It was not observed in approximately 6,500 individuals of European and African American ancestry inthe NHLBI Exome Sequencing Project, indicating it is not a common benign variant in thesepopulations. The G409C variant is a non-conservative amino acid substitution, which is likely toimpact secondary protein structure as these residues differ in polarity, charge, size and/or otherproperties. This substitution occurs at a position that is conserved across species. Missense variants innearby residues and at the same codon (G409D) have been reported in the Human Gene MutationDatabase in association with spastic paraplegia (Stenson et al., 2014), supporting the functionalimportance of this region of the protein. In silico analysis predicts this variant is probably damagingto the protein structure/function. Therefore, this variant is likely pathogenic; however, the possibilitythat it is benign cannot be excluded.

Literature cited by the submitters: PubMed 25193411 (cited by Labcorp Genetics (formerly Invitae), Labcorp).